The following is an entry in ClinVar:

NM_181486.4(TBX5):c.25G>C (p.Gly9Arg)

Gene: TBX5 (T-box transcription factor 5; minus strand). Cytogenetic location: 12q24.21.
Variant type: single nucleotide variant.
Coding change: c.25G>C on transcript NM_181486.4 (MANE Select); coding-DNA position 25, G replaced by C.
Protein change: p.Gly9Arg; replaces glycine 9 with arginine.
Molecular consequence: missense variant. On other transcripts: intron variant (1).
Genome position (GRCh38, 1-based): chr12:114,403,874, C>G on the plus strand (G>C on the coding strand, the complement: TBX5 is on the minus strand). VCF-style: chr12-114403874-C-G. GRCh37 (hg19) VCF-style: chr12-114841679-C-G.
Other names: c.25G>C, p.Gly9Arg (NM_000192.3); c.-3-1954G>C (NM_080717.4); short protein forms G9R.
Identifiers: ClinVar variation 3453925 (VCV003453925.1).

ClinVar aggregate classification (germline): Uncertain significance (1 of 4 stars; one submission).

Conditions:
Cardiovascular phenotype. Identifiers: MedGen CN230736.

Submission:

Ambry Genetics
Classification: Uncertain significance for Cardiovascular phenotype. Last evaluated: 2024-10-15. Review status: criteria provided, single submitter. Criteria: Ambry Variant Classification Scheme 2023. Collection method: clinical testing. Allele origin: germline.
Comment: The p.G9R variant (also known as c.25G>C), located in coding exon 1 of the TBX5 gene, results from a G to C substitution at nucleotide position 25. The glycine at codon 9 is replaced by arginine, an amino acid with dissimilar properties. This amino acid position is conserved. In addition, the in silico prediction for this alteration is inconclusive. Based on the available evidence, the clinical significance of this variant remains unclear.